The following is an entry in ClinVar:

NM_001369268.1(ACAN):c.707G>A (p.Arg236Gln)

Gene: ACAN (aggrecan; plus strand). Cytogenetic location: 15q26.1.
Variant type: single nucleotide variant.
Coding change: c.707G>A on transcript NM_001369268.1 (MANE Select); coding-DNA position 707, G replaced by A.
Protein change: p.Arg236Gln; replaces arginine 236 with glutamine.
Molecular consequence: missense variant.
Genome position (GRCh38, 1-based): chr15:88,841,817, G>A. VCF-style: chr15-88841817-G-A. GRCh37 (hg19) VCF-style: chr15-89385048-G-A.
Other names: c.707G>A, p.Arg236Gln (NM_001135.4, NM_001411096.1, NM_001411097.1 and 1 more transcripts); short protein forms R236Q.
Identifiers: ClinVar variation 2606074 (VCV002606074.4), dbSNP rs764993901, ClinGen allele CA7719326.

ClinVar aggregate classification (germline): Uncertain significance. Review status: criteria provided, multiple submitters, no conflicts (2 of 4 stars). 2 submissions from 2 submitters: Uncertain significance (2). Last evaluated 2026-02-26.

Conditions:
Inborn genetic diseases. Identifiers: MedGen C0950123, MeSH D030342.

Allele frequency attached by ClinVar (database versions not stated): ExAC 0.00001; gnomAD exomes 0.00001; TOPMed 0.00002; gnomAD 0.00003.
gnomAD v4.1: 17 of 1,613,330 alleles (0.0011%); highest among the groups gnomAD compares: African/African-American, 0.004%; no homozygotes.

Submissions (2):

Ambry Genetics
Classification: Uncertain significance for Inborn genetic diseases. Last evaluated: 2026-02-26. Review status: criteria provided, single submitter. Criteria: Ambry Variant Classification Scheme 2023. Collection method: clinical testing. Allele origin: germline.

Labcorp Genetics (formerly Invitae), Labcorp
Classification: Uncertain significance. Last evaluated: 2025-11-06. Review status: criteria provided, single submitter. Criteria: Invitae Variant Classification Sherloc (09022015). Collection method: clinical testing. Allele origin: germline.
Comment: This sequence change replaces arginine, which is basic and polar, with glutamine, which is neutral and polar, at codon 236 of the ACAN protein (p.Arg236Gln). This variant is present in population databases (rs764993901, gnomAD 0.003%). This variant has not been reported in the literature in individuals affected with ACAN-related conditions. ClinVar contains an entry for this variant (Variation ID: 2606074). Invitae Evidence Modeling of protein sequence and biophysical properties (such as structural, functional, and spatial information, amino acid conservation, physicochemical variation, residue mobility, and thermodynamic stability) indicates that this missense variant is not expected to disrupt ACAN protein function with a negative predictive value of 80%. In summary, the available evidence is currently insufficient to determine the role of this variant in disease. Therefore, it has been classified as a Variant of Uncertain Significance.